The following is an entry in ClinVar:

NC_000020.10:g.(?_62062702)_(62068213_?)del

Gene: KCNQ2 (potassium voltage-gated channel subfamily Q member 2; minus strand). Cytogenetic location: 20q13.33.
Variant type: Deletion.
Identifiers: ClinVar variation 1457154 (VCV001457154.6).

ClinVar aggregate classification (germline): Pathogenic (1 of 4 stars; one submission).

Conditions:
Developmental and epileptic encephalopathy. Identifiers: MedGen C5779964, MONDO:0100620.

Submission:

Labcorp Genetics (formerly Invitae), Labcorp
Classification: Pathogenic for Early-infantile DEE. Last evaluated: 2022-08-24. Review status: criteria provided, single submitter. Criteria: Invitae Variant Classification Sherloc (09022015). Collection method: clinical testing. Allele origin: germline.
Comment: This variant disrupts a region of the KCNQ2 protein in which other variant(s) (p.Thr359Lys) have been determined to be pathogenic (Invitae). This suggests that this is a clinically significant region of the protein, and that variants that disrupt it are likely to be disease-causing. This variant has not been reported in the literature in individuals affected with KCNQ2-related conditions. This variant results in the deletion of exon 8 and part of exon 9 (c.1023+1765_1139del) of the KCNQ2 gene. It is expected to disrupt RNA splicing. Variants that disrupt the donor or acceptor splice site typically lead to a loss of protein function (PMID: 16199547), and loss-of-function variants in KCNQ2 are known to be pathogenic (PMID: 14534157, 23692823, 27779742). For these reasons, this variant has been classified as Pathogenic.

Literature cited by the submitters: PubMed 16199547; PubMed 14534157; PubMed 23692823; PubMed 27779742.